The following is an entry in ClinVar:

NM_002485.5(NBN):c.812T>C (p.Val271Ala)

Gene: NBN (nibrin; minus strand). Cytogenetic location: 8q21.3.
Variant type: single nucleotide variant.
Coding change: c.812T>C on transcript NM_002485.5 (MANE Select); coding-DNA position 812, T replaced by C.
Protein change: p.Val271Ala; replaces valine 271 with alanine.
Molecular consequence: missense variant.
Genome position (GRCh38, 1-based): chr8:89,970,448, A>G on the plus strand (T>C on the coding strand, the complement: NBN is on the minus strand). VCF-style: chr8-89970448-A-G. GRCh37 (hg19) VCF-style: chr8-90982676-A-G.
Other names: c.566T>C, p.Val189Ala (NM_001024688.3); short protein forms V189A, V271A.
Identifiers: ClinVar variation 1008958 (VCV001008958.13), dbSNP rs1811458181, ClinGen allele CA371658564.
Genomic context (GRCh38, chr8:89,970,448, plus strand): 5'-TGAATCCATTTCTTCTGACAGTCAGGAATTAAGGTCTGTGAGTTTGTTATTCCTGTATCA[A>G]CAACACACGTTCCCGGAGCCAAAAAGAAATTATGTTCTTCTTCATTCTCTTCTGTTATCA-3'
Protein context (NP_002476.2, residues 261-281): NFFLAPGTCV[Val271Ala]DTGITNSQTL

ClinVar aggregate classification (germline): Uncertain significance. Review status: criteria provided, multiple submitters, no conflicts (2 of 4 stars). 3 submissions from 3 submitters: Uncertain significance (3). Last evaluated 2024-11-28.

Conditions:
Hereditary cancer-predisposing syndrome. Also called: Hereditary neoplastic syndrome; Neoplastic Syndromes, Hereditary; Tumor predisposition; Hereditary Cancer Syndrome. Identifiers: Orphanet 140162, MedGen C0027672, MeSH D009386, MONDO:0015356.
Aplastic anemia. Identifiers: Orphanet 182040, Orphanet 88, MedGen C0002874, MONDO:0015909, OMIM 609135, HP:0001915.
Microcephaly, normal intelligence and immunodeficiency (NBS). Also called: BERLIN BREAKAGE SYNDROME; Immunodeficiency, microcephaly with normal intelligence; SEEMANOVA SYNDROME II; Nijmegen breakage syndrome; Microcephaly with normal intelligence immunodeficiency and lymphoreticular malignancies; Nonsyndromal microcephaly autosomal recessive with normal intelligence. Identifiers: Orphanet 647, MedGen C0398791, MONDO:0009623, OMIM 251260.

Allele frequency attached by ClinVar (database versions not stated): TOPMed below 0.00001.

Submissions (3):

Ambry Genetics
Classification: Uncertain significance for Hereditary cancer-predisposing syndrome. Last evaluated: 2024-11-28. Review status: criteria provided, single submitter. Criteria: Ambry Variant Classification Scheme 2023. Collection method: clinical testing. Allele origin: germline.
Comment: The p.V271A variant (also known as c.812T>C), located in coding exon 7 of the NBN gene, results from a T to C substitution at nucleotide position 812. The valine at codon 271 is replaced by alanine, an amino acid with similar properties. This amino acid position is highly conserved in available vertebrate species. In addition, the in silico prediction for this alteration is inconclusive. Since supporting evidence is limited at this time, the clinical significance of this alteration remains unclear.

Baylor Genetics
Classification: Uncertain significance for Aplastic anemia. Last evaluated: 2023-12-30. Review status: criteria provided, single submitter. Criteria: ACMG Guidelines, 2015. Collection method: clinical testing. Allele origin: unknown.

Labcorp Genetics (formerly Invitae), Labcorp
Classification: Uncertain significance for Microcephaly, normal intelligence and immunodeficiency. Last evaluated: 2020-06-21. Review status: criteria provided, single submitter. Criteria: Invitae Variant Classification Sherloc (09022015). Collection method: clinical testing. Allele origin: germline.
Comment: This variant is not present in population databases (ExAC no frequency). In summary, the available evidence is currently insufficient to determine the role of this variant in disease. Therefore, it has been classified as a Variant of Uncertain Significance. This variant has not been reported in the literature in individuals with NBN-related conditions. Algorithms developed to predict the effect of missense changes on protein structure and function are either unavailable or do not agree on the potential impact of this missense change (SIFT: "Deleterious"; PolyPhen-2: "Benign"; Align-GVGD: "Class C0"). This sequence change replaces valine with alanine at codon 271 of the NBN protein (p.Val271Ala). The valine residue is moderately conserved and there is a small physicochemical difference between valine and alanine.